The following is an entry in ClinVar:

ClinVar aggregate classification (germline): Uncertain significance (1 of 4 stars; one submission).

Conditions:
Cranium bifidum occultum. Also called: CRANIUM BIFIDUM, HEREDITARY; CATLIN MARKS; Enlarged Parietal Foramina. Identifiers: MedGen C1868598, HP:0004423.

Allele frequency attached by ClinVar (database versions not stated): gnomAD exomes below 0.00001.
gnomAD v4.1: 2 of 1,425,432 alleles (0.00014%); highest among the groups gnomAD compares: Non-Finnish European, 0.0002%; no homozygotes.

Submission:

Labcorp Genetics (formerly Invitae), Labcorp
Classification: Uncertain significance for Cranium bifidum occultum. Last evaluated: 2022-05-25. Review status: criteria provided, single submitter. Criteria: Invitae Variant Classification Sherloc (09022015). Collection method: clinical testing. Allele origin: germline.
Comment: In summary, the available evidence is currently insufficient to determine the role of this variant in disease. Therefore, it has been classified as a Variant of Uncertain Significance. Algorithms developed to predict the effect of missense changes on protein structure and function are either unavailable or do not agree on the potential impact of this missense change (SIFT: "Deleterious"; PolyPhen-2: "Benign"; Align-GVGD: "Class C0"). This variant has not been reported in the literature in individuals affected with MSX2-related conditions. This variant is not present in population databases (gnomAD no frequency). This sequence change replaces glycine, which is neutral and non-polar, with valine, which is neutral and non-polar, at codon 17 of the MSX2 protein (p.Gly17Val).

NM_002449.5(MSX2):c.50G>T (p.Gly17Val)

Gene: MSX2 (msh homeobox 2; plus strand). Cytogenetic location: 5q35.2.
Variant type: single nucleotide variant.
Coding change: c.50G>T on transcript NM_002449.5 (MANE Select); coding-DNA position 50, G replaced by T.
Protein change: p.Gly17Val; replaces glycine 17 with valine.
Molecular consequence: missense variant.
Genome position (GRCh38, 1-based): chr5:174,724,709, G>T. VCF-style: chr5-174724709-G-T. GRCh37 (hg19) VCF-style: chr5-174151712-G-T.
Other names: c.50G>T, p.Gly17Val (NM_001363626.2); short protein forms G17V.
Identifiers: ClinVar variation 1949625 (VCV001949625.5), dbSNP rs1760736162, ClinGen allele CA362229022.
Genomic context (GRCh38, chr5:174,724,709, plus strand): 5'-GCAGAGAAGTCATGGCTTCTCCGTCCAAAGGCAATGACTTGTTTTCGCCCGACGAGGAGG[G>T]CCCAGCAGTGGTGGCCGGACCAGGCCCGGGGCCTGGGGGCGCCGAGGGGGCCGCGGAGGA-3'
Protein context (NP_002440.2, residues 7-27): GNDLFSPDEE[Gly17Val]PAVVAGPGPG